The following is an entry in ClinVar:

NM_001113378.2(FANCI):c.2804-1G>A

Gene: FANCI (FA complementation group I; plus strand). Cytogenetic location: 15q26.1.
Variant type: single nucleotide variant.
Coding change: c.2804-1G>A on transcript NM_001113378.2 (MANE Select); the canonical splice acceptor site of the intron before coding-DNA position 2804, G replaced by A.
Molecular consequence: splice acceptor variant.
Genome position (GRCh38, 1-based): chr15:89,300,299, G>A. VCF-style: chr15-89300299-G-A. GRCh37 (hg19) VCF-style: chr15-89843530-G-A.
Other names: c.2624-1G>A (NM_018193.3); c.2804-1G>A (NM_001376911.1); c.2525-1G>A (NM_001376910.1).
Identifiers: ClinVar variation 4687180 (VCV004687180.1).

ClinVar aggregate classification (germline): Likely pathogenic (1 of 4 stars; one submission).

Conditions:
Fanconi anemia (FA). Also called: Fanconi's anemia. Identifiers: Orphanet 84, MedGen C0015625, MeSH D005199, MONDO:0019391.

Submission:

Women's Health and Genetics/Laboratory Corporation of America, LabCorp
Classification: Likely pathogenic for Fanconi anemia. Last evaluated: 2025-10-20. Review status: criteria provided, single submitter. Criteria: LabCorp Variant Classification Summary - May 2015. Collection method: clinical testing. Allele origin: germline.
Comment: Variant summary: FANCI c.2804-1G>A is located in a canonical splice-site and is predicted to affect mRNA splicing resulting in a significantly altered protein due to either exon skipping, shortening, or inclusion of intronic material. Variants that disrupt the consensus splice site are a relatively common cause of aberrant splicing and loss of FANCI function. Several computational tools predict a significant impact on normal splicing: Four predict the variant abolishes a 3' acceptor site. Two predict the variant creates a 3' acceptor site. One predicts the variant strengthens a cryptic 3' acceptor site. However, these predictions have yet to be confirmed by functional studies. The variant was absent in 251334 control chromosomes. To our knowledge, no occurrence of c.2804-1G>A in individuals affected with FANCI-related conditions and no experimental evidence demonstrating its impact on protein function have been reported. No submitters have cited clinical-significance assessments for this variant to ClinVar. Based on the evidence outlined above, the variant was classified as likely pathogenic.